The following is an entry in ClinVar:

ClinVar aggregate classification (germline): Uncertain significance (1 of 4 stars; one submission).

Conditions:
Immunodeficiency 28 (IMD28). Also called: IFNGR2 DEFICIENCY. Identifiers: Orphanet 319547, Orphanet 319574, MedGen C4013947, MONDO:0013953, OMIM 614889.

Allele frequency attached by ClinVar (database versions not stated): gnomAD exomes below 0.00001.
gnomAD v4.1: 2 of 1,613,990 alleles (0.00012%); highest among the groups gnomAD compares: Non-Finnish European, 0.00017%; no homozygotes.

Submission:

Labcorp Genetics (formerly Invitae), Labcorp
Classification: Uncertain significance for Immunodeficiency 28. Last evaluated: 2021-06-22. Review status: criteria provided, single submitter. Criteria: Invitae Variant Classification Sherloc (09022015). Collection method: clinical testing. Allele origin: germline.
Comment: This sequence change replaces phenylalanine with leucine at codon 268 of the IFNGR2 protein (p.Phe268Leu). The phenylalanine residue is moderately conserved and there is a small physicochemical difference between phenylalanine and leucine. In summary, the available evidence is currently insufficient to determine the role of this variant in disease. Therefore, it has been classified as a Variant of Uncertain Significance. Algorithms developed to predict the effect of missense changes on protein structure and function output the following: SIFT: "Tolerated"; PolyPhen-2: "Benign"; Align-GVGD: "Class C0". The leucine amino acid residue is found in multiple mammalian species, suggesting that this missense change does not adversely affect protein function. These predictions have not been confirmed by published functional studies and their clinical significance is uncertain. This variant has not been reported in the literature in individuals with IFNGR2-related conditions. This variant is not present in population databases (ExAC no frequency).

NM_005534.4(IFNGR2):c.802T>C (p.Phe268Leu)

Genes: IFNGR2 (interferon gamma receptor 2; plus strand), TMEM50B (transmembrane protein 50B; minus strand). Cytogenetic location: 21q22.11.
Variant type: single nucleotide variant.
Coding change: c.802T>C on transcript NM_005534.4 (MANE Select); coding-DNA position 802, T replaced by C.
Protein change: p.Phe268Leu; replaces phenylalanine 268 with leucine.
Molecular consequence: missense variant. On other transcripts: non-coding transcript variant (1).
Genome position (GRCh38, 1-based): chr21:33,432,794, T>C. VCF-style: chr21-33432794-T-C. GRCh37 (hg19) VCF-style: chr21-34805101-T-C.
Other names: c.859T>C, p.Phe287Leu (NM_001329128.2); short protein forms F287L, F268L.
Identifiers: ClinVar variation 1464225 (VCV001464225.8), dbSNP rs2123370275, ClinGen allele CA410112233.